The following is an entry in ClinVar:

NM_001034853.2(RPGR):c.3105_3122delinsAGAAAGGGAAAAGGAGGG (p.Glu1037_Glu1041delinsArgGluLysGluGly)

Gene: RPGR (retinitis pigmentosa GTPase regulator; minus strand). Cytogenetic location: Xp11.4.
Variant type: Indel.
Coding change: c.3105_3122delinsAGAAAGGGAAAAGGAGGG on transcript NM_001034853.2 (MANE Select); coding-DNA positions 3105 to 3122, GGAAGAGGAAGGAGAGGA replaced by AGAAAGGGAAAAGGAGGG.
Protein change: p.Glu1037_Glu1041delinsArgGluLysGluGly.
Molecular consequence: missense variant. On other transcripts: intron variant (8).
Genome position (GRCh38, 1-based): chrX:38,285,877-38,285,894, TCCTCTCCTTCCTCTTCC replaced by CCCTCCTTTTCCCTTTCT on the plus strand (GGAAGAGGAAGGAGAGGA replaced by AGAAAGGGAAAAGGAGGG on the coding strand, the reverse complement: RPGR is on the minus strand). GRCh37 (hg19): chrX:38,145,130-38,145,147.
Other names: c.1569+5065_1569+5082delinsAGAAAGGGAAAAGGAGGG (NM_001367249.1, NM_001367250.1); c.1902+1200_1902+1217delinsAGAAAGGGAAAAGGAGGG (NM_001367245.1); c.1386+5065_1386+5082delinsAGAAAGGGAAAAGGAGGG (NM_001367251.1); c.1719+1200_1719+1217delinsAGAAAGGGAAAAGGAGGG (NM_001367246.1); c.1572+5065_1572+5082delinsAGAAAGGGAAAAGGAGGG (NM_001367247.1); c.1905+1200_1905+1217delinsAGAAAGGGAAAAGGAGGG (NM_000328.3); c.1602+5065_1602+5082delinsAGAAAGGGAAAAGGAGGG (NM_001367248.1).
Identifiers: ClinVar variation 3764363 (VCV003764363.1).

ClinVar aggregate classification (germline): Uncertain significance (1 of 4 stars; one submission).

Submission:

GeneDx
Classification: Uncertain significance. Last evaluated: 2024-08-19. Review status: criteria provided, single submitter. Criteria: GeneDx Variant Classification Process June 2021. Collection method: clinical testing. Allele origin: germline. Affected: yes.
Comment: In silico analysis indicates that this variant does not alter protein structure/function; Has not been previously published as pathogenic or benign to our knowledge